The following is an entry in ClinVar:

NM_002495.4(NDUFS4):c.350C>T (p.Thr117Met)

Gene: NDUFS4 (NADH:ubiquinone oxidoreductase subunit S4; plus strand). Cytogenetic location: 5q11.2.
Variant type: single nucleotide variant.
Coding change: c.350C>T on transcript NM_002495.4 (MANE Select); coding-DNA position 350, C replaced by T.
Protein change: p.Thr117Met; replaces threonine 117 with methionine.
Molecular consequence: missense variant. On other transcripts: non-coding transcript variant (3).
Genome position (GRCh38, 1-based): chr5:53,646,405, C>T. VCF-style: chr5-53646405-C-T. GRCh37 (hg19) VCF-style: chr5-52942235-C-T.
Other names: c.350C>T, p.Thr117Met (NM_001318051.2); short protein forms T117M.
Identifiers: ClinVar variation 3392890 (VCV003392890.1).

ClinVar aggregate classification (germline): Uncertain significance (1 of 4 stars; one submission).

gnomAD v4.1: 1 of 1,612,584 alleles (0.000062%); highest among the groups gnomAD compares: Admixed American, 0.0017%; no homozygotes.

Submission:

GeneDx
Classification: Uncertain significance. Last evaluated: 2024-06-27. Review status: criteria provided, single submitter. Criteria: GeneDx Variant Classification Process June 2021. Collection method: clinical testing. Allele origin: germline. Affected: yes.
Comment: Not observed at significant frequency in large population cohorts (gnomAD); In silico analysis supports that this missense variant has a deleterious effect on protein structure/function; Has not been previously published as pathogenic or benign to our knowledge